The following is an entry in ClinVar:

ClinVar aggregate classification (germline): Conflicting classifications of pathogenicity. Review status: criteria provided, conflicting classifications (1 of 4 stars). 2 submissions from 2 submitters: Likely pathogenic (1); Uncertain significance (1). Last evaluated 2026-08-13.

Conditions:
Hypophosphatasia. Also called: Phosphoethanol-aminuria. Identifiers: Orphanet 436, MedGen C0020630, MeSH D007014, MONDO:0018570.

Submissions (2):

JKU Lab, Dept of Paediatrics, Johannes Kepler University
Classification: Uncertain significance for Hypophosphatasia. Last evaluated: 2026-08-13. Review status: criteria provided, single submitter. Criteria: ACMG Guidelines, 2015. Collection method: curation. Allele origin: germline.
Comment: This missense variant is not present in GnomAD 4.1 and affects a highly conserved amino acid in the homodimeric interface. The variant is predicted to affect protein function (REVEL score: 0.846). Splice-prediction algorithms predict no effect on splicing. This variant has been reported in the literature in individuals affected with ALPL-related conditions (PMID:39519277).

Genomenon, Inc
Classification: Likely pathogenic for Hypophosphatasia. Last evaluated: 2025-08-29. Review status: criteria provided, single submitter. Criteria: Genomenon Sequence Variant Interpretation Standards. Collection method: curation. Allele origin: germline. Affected: yes.
Comment: ALPL c.205G>A is a missense variant that changes the amino acid at residue 69 from Alanine to Threonine. This variant has been observed in at least one proband affected with hypophosphatasia (PMID:36361766;39519277). It is absent or not present at a significant frequency in gnomAD. In silico models agree that this variant is possibly or probably damaging. In conclusion, we classify ALPL p.Ala69Thr (c.205G>A) as a likely pathogenic variant.

Literature cited by the submitters: PubMed 39519277 (cited by JKU Lab, Dept of Paediatrics, Johannes Kepler University and Genomenon, Inc); PubMed 36361766 (cited by Genomenon, Inc).

NM_000478.6(ALPL):c.205G>A (p.Ala69Thr)

Gene: ALPL (alkaline phosphatase, biomineralization associated; plus strand). Cytogenetic location: 1p36.12.
Variant type: single nucleotide variant.
Coding change: c.205G>A on transcript NM_000478.6 (MANE Select); coding-DNA position 205, G replaced by A.
Protein change: p.Ala69Thr; replaces alanine 69 with threonine.
Molecular consequence: missense variant. On other transcripts: intron variant (1).
Genome position (GRCh38, 1-based): chr1:21,561,120, G>A. VCF-style: chr1-21561120-G-A. GRCh37 (hg19) VCF-style: chr1-21887613-G-A.
Other names: c.40G>A, p.Ala14Thr (NM_001127501.4); c.205G>A, p.Ala69Thr (NM_001369803.2, NM_001369804.2, NM_001369805.2); c.66+375G>A (NM_001177520.3); short protein forms A14T, A69T.
Identifiers: ClinVar variation 4086912 (VCV004086912.2).
Genomic context (GRCh38, chr1:21,561,120, plus strand): 5'-GAGCACGAGAGACTGAGGCCCCCACTCCCCACTGCAGGGATGGGTGTCTCCACAGTGACG[G>A]CTGCCCGCATCCTCAAGGGTCAGCTCCACCACAACCCTGGGGAGGAGACCAGGCTGGAGA-3'
Protein context (NP_000469.3, residues 59-79): GDGMGVSTVT[Ala69Thr]ARILKGQLHH